The following is an entry in ClinVar:

NM_178452.6(DNAAF1):c.1927C>T (p.Pro643Ser)

Gene: DNAAF1 (dynein axonemal assembly factor 1; plus strand). Cytogenetic location: 16q24.1.
Variant type: single nucleotide variant.
Coding change: c.1927C>T on transcript NM_178452.6 (MANE Select); coding-DNA position 1927, C replaced by T.
Protein change: p.Pro643Ser; replaces proline 643 with serine.
Molecular consequence: missense variant.
Genome position (GRCh38, 1-based): chr16:84,176,161, C>T. VCF-style: chr16-84176161-C-T. GRCh37 (hg19) VCF-style: chr16-84209767-C-T.
Other names: c.1927C>T (NM_178452.4); c.1219C>T, p.Pro407Ser (NM_001318756.1); short protein forms P643S, P407S.
Identifiers: ClinVar variation 2050736 (VCV002050736.2), dbSNP rs1017412114, ClinGen allele CA285530116.

ClinVar aggregate classification (germline): Uncertain significance. Review status: criteria provided, multiple submitters, no conflicts (2 of 4 stars). 2 submissions from 2 submitters: Uncertain significance (2). Last evaluated 2025-05-20.

Conditions:
Primary ciliary dyskinesia. Also called: Ciliary dyskinesia. Identifiers: Orphanet 244, MedGen C0008780, MONDO:0016575, HP:0012265.

Allele frequency attached by ClinVar (database versions not stated): gnomAD exomes below 0.00001; TOPMed 0.00001.
gnomAD v4.1: 1 of 1,614,100 alleles (0.000062%); highest among the groups gnomAD compares: Admixed American, 0.0017%; no homozygotes.

Submissions (2):

Ambry Genetics
Classification: Uncertain significance for Primary ciliary dyskinesia. Last evaluated: 2025-05-20. Review status: criteria provided, single submitter. Criteria: Ambry Variant Classification Scheme 2023. Collection method: clinical testing. Allele origin: germline.

Labcorp Genetics (formerly Invitae), Labcorp
Classification: Uncertain significance for Primary ciliary dyskinesia. Last evaluated: 2022-10-15. Review status: criteria provided, single submitter. Criteria: Invitae Variant Classification Sherloc (09022015). Collection method: clinical testing. Allele origin: germline.
Comment: This sequence change replaces proline, which is neutral and non-polar, with serine, which is neutral and polar, at codon 643 of the DNAAF1 protein (p.Pro643Ser). This variant is not present in population databases (gnomAD no frequency). This variant has not been reported in the literature in individuals affected with DNAAF1-related conditions. Algorithms developed to predict the effect of missense changes on protein structure and function output the following: SIFT: "Tolerated"; PolyPhen-2: "Possibly Damaging"; Align-GVGD: "Class C0". The serine amino acid residue is found in multiple mammalian species, which suggests that this missense change does not adversely affect protein function. In summary, the available evidence is currently insufficient to determine the role of this variant in disease. Therefore, it has been classified as a Variant of Uncertain Significance.